The following is an entry in ClinVar:

ClinVar aggregate classification (germline): Uncertain significance (1 of 4 stars; one submission).

Conditions:
Developmental and epileptic encephalopathy, 53. Also called: Epileptic encephalopathy, early infantile, 53. Identifiers: MedGen C4479313, MONDO:0033362, OMIM 617389.
Early-onset Parkinson disease 20. Also called: PARKINSON DISEASE 20, AUTOSOMAL RECESSIVE EARLY-ONSET. Identifiers: Orphanet 391411, MedGen C3809824, MONDO:0014233, OMIM 615530.

Submission:

Labcorp Genetics (formerly Invitae), Labcorp
Classification: Uncertain significance for Developmental and epileptic encephalopathy, 53; Early-onset Parkinson disease 20. Last evaluated: 2022-05-06. Review status: criteria provided, single submitter. Criteria: Invitae Variant Classification Sherloc (09022015). Collection method: clinical testing. Allele origin: germline.
Comment: This sequence change replaces serine, which is neutral and polar, with threonine, which is neutral and polar, at codon 431 of the SYNJ1 protein (p.Ser431Thr). This variant is not present in population databases (gnomAD no frequency). This variant has not been reported in the literature in individuals affected with SYNJ1-related conditions. Algorithms developed to predict the effect of missense changes on protein structure and function are either unavailable or do not agree on the potential impact of this missense change (SIFT: "Tolerated"; PolyPhen-2: "Possibly Damaging"; Align-GVGD: "Class C0"). In summary, the available evidence is currently insufficient to determine the role of this variant in disease. Therefore, it has been classified as a Variant of Uncertain Significance.

NM_203446.3(SYNJ1):c.1175G>C (p.Ser392Thr)

Gene: SYNJ1 (synaptojanin 1; minus strand). Cytogenetic location: 21q22.11.
Variant type: single nucleotide variant.
Coding change: c.1175G>C on transcript NM_203446.3 (MANE Select); coding-DNA position 1175, G replaced by C.
Protein change: p.Ser392Thr; replaces serine 392 with threonine.
Molecular consequence: missense variant.
Genome position (GRCh38, 1-based): chr21:32,684,063, C>G on the plus strand (G>C on the coding strand, the complement: SYNJ1 is on the minus strand). VCF-style: chr21-32684063-C-G. GRCh37 (hg19) VCF-style: chr21-34056373-C-G.
Other names: c.1175G>C, p.Ser392Thr (NM_001160302.2, NM_001160306.2); c.1292G>C, p.Ser431Thr (NM_003895.4); short protein forms S392T, S431T.
Identifiers: ClinVar variation 2068183 (VCV002068183.1), dbSNP rs2516739840, ClinGen allele CA410091530.